The following is an entry in ClinVar:

NM_001018115.3(FANCD2):c.3947G>A (p.Ser1316Asn)

Genes: FANCD2 (FA complementation group D2; plus strand), FANCD2OS (FANCD2 opposite strand; minus strand). Cytogenetic location: 3p25.3.
Variant type: single nucleotide variant.
Coding change: c.3947G>A on transcript NM_001018115.3 (MANE Select); coding-DNA position 3947, G replaced by A.
Protein change: p.Ser1316Asn; replaces serine 1316 with asparagine.
Molecular consequence: missense variant. On other transcripts: intron variant (1).
Genome position (GRCh38, 1-based): chr3:10,094,347, G>A. VCF-style: chr3-10094347-G-A. GRCh37 (hg19) VCF-style: chr3-10136031-G-A.
Other names: c.3947G>A, p.Ser1316Asn (NM_001319984.2, NM_033084.6); c.3836G>A, p.Ser1279Asn (NM_001374253.1); c.3908G>A, p.Ser1303Asn (NM_001374254.1); c.*43+9851C>T (NM_173472.2); short protein forms S1279N, S1316N, S1303N.
Identifiers: ClinVar variation 3729026 (VCV003729026.2).
Genomic context (GRCh38, chr3:10,094,347, plus strand): 5'-AGTATGGGCGTCTCTTTGTGGAAGCATTTCTGAAGCAATGTATGCCGCTCCTAGACTTCA[G>A]TTTTAGAAAACACCGGGTAAGAGCTAAGAGCAGAGAACAAAGATATGCACTGAAGAGTTG-3'
Protein context (NP_001018125.1, residues 1306-1326): LKQCMPLLDF[Ser1316Asn]FRKHREDVLS

ClinVar aggregate classification (germline): Uncertain significance (1 of 4 stars; one submission).

Conditions:
Fanconi anemia (FA). Also called: Fanconi's anemia. Identifiers: Orphanet 84, MedGen C0015625, MeSH D005199, MONDO:0019391.

Submission:

Labcorp Genetics (formerly Invitae), Labcorp
Classification: Uncertain significance for Fanconi anemia. Last evaluated: 2024-04-25. Review status: criteria provided, single submitter. Criteria: Invitae Variant Classification Sherloc (09022015). Collection method: clinical testing. Allele origin: germline.
Comment: This sequence change replaces serine, which is neutral and polar, with asparagine, which is neutral and polar, at codon 1316 of the FANCD2 protein (p.Ser1316Asn). This variant is not present in population databases (gnomAD no frequency). This variant has not been reported in the literature in individuals affected with FANCD2-related conditions. Advanced modeling of protein sequence and biophysical properties (such as structural, functional, and spatial information, amino acid conservation, physicochemical variation, residue mobility, and thermodynamic stability) performed at Invitae indicates that this missense variant is expected to disrupt FANCD2 protein function with a positive predictive value of 80%. In summary, the available evidence is currently insufficient to determine the role of this variant in disease. Therefore, it has been classified as a Variant of Uncertain Significance.